The following is an entry in ClinVar:

ClinVar aggregate classification (germline): Conflicting classifications of pathogenicity. Review status: criteria provided, conflicting classifications (1 of 4 stars). 6 submissions from 6 submitters: Uncertain significance (2); Likely benign (3). 1 of the submissions does not count toward it. Last evaluated 2026-01-28.

Conditions:
LCA5-related disorder. Also called: LCA5-related condition.
Leber congenital amaurosis (LCA). Also called: Leber's amaurosis. Identifiers: Orphanet 65, MedGen C0339527, MeSH D057130, MONDO:0018998.
Leber congenital amaurosis 5 (LCA5). Also called: Amaurosis congenita of Leber, type 5. Identifiers: Orphanet 65, MedGen C1858301, MONDO:0011473, OMIM 604537.

Allele frequency attached by ClinVar (database versions not stated): gnomAD exomes 0.00012 and 0.00034; ExAC 0.00043; ESP Exome Variant Server 0.00100; gnomAD 0.00123 and 0.00134; 1000 Genomes Project 0.00140; 1000 Genomes Project 30x 0.00141; TOPMed 0.00164.
gnomAD v4.1: 378 of 1,613,890 alleles (0.023%); highest among the groups gnomAD compares: African/African-American, 0.42%; no homozygotes.

Submissions (6):

Labcorp Genetics (formerly Invitae), Labcorp
Classification: Likely benign. Last evaluated: 2026-01-28. Review status: criteria provided, single submitter. Criteria: Invitae Variant Classification Sherloc (09022015). Collection method: clinical testing. Allele origin: germline.

Blueprint Genetics
Classification: Likely benign. Last evaluated: 2024-11-11. Review status: criteria provided, single submitter. Criteria: ACMG Guidelines, 2015. Collection method: clinical testing. Allele origin: germline.

PreventionGenetics, part of Exact Sciences
Classification: Likely benign for LCA5-related condition. Last evaluated: 2024-11-04. Review status: criteria provided, single submitter. Criteria: ACMG Guidelines, 2015. Collection method: clinical testing. Allele origin: germline.
Comment: This variant is classified as likely benign based on ACMG/AMP sequence variant interpretation guidelines (Richards et al. 2015 PMID: 25741868, with internal and published modifications).

Baylor Genetics
Classification: Uncertain significance for Leber congenital amaurosis 5. Last evaluated: 2018-11-11. Review status: criteria provided, single submitter. Criteria: ACMG Guidelines, 2015. Collection method: clinical testing. Allele origin: paternal. Affected: yes.
Comment: This variant was determined to be of uncertain significance according to ACMG Guidelines, 2015 [PMID:25741868].

Eurofins Ntd Llc (ga)
Classification: Uncertain significance. Last evaluated: 2014-08-25. Review status: criteria provided, single submitter. Criteria: EGL Classification Definitions 2015. Collection method: clinical testing. Allele origin: germline. Observed: 1 variant allele, 1 heterozygote.

Natera, Inc.
Classification: Uncertain significance for Leber congenital amaurosis. Last evaluated: 2019-10-28. Review status: no assertion criteria provided. Collection method: clinical testing. Allele origin: germline. Not counted in ClinVar's aggregate classification.

NM_001122769.3(LCA5):c.2026G>T (p.Asp676Tyr)

Gene: LCA5 (lebercilin LCA5; minus strand). Cytogenetic location: 6q14.1.
Variant type: single nucleotide variant.
Coding change: c.2026G>T on transcript NM_001122769.3 (MANE Select); coding-DNA position 2026, G replaced by T.
Protein change: p.Asp676Tyr; replaces aspartic acid 676 with tyrosine.
Molecular consequence: missense variant.
Genome position (GRCh38, 1-based): chr6:79,487,072, C>A on the plus strand (G>T on the coding strand, the complement: LCA5 is on the minus strand). VCF-style: chr6-79487072-C-A. GRCh37 (hg19) VCF-style: chr6-80196789-C-A.
Other names: c.2026G>T, p.Asp676Tyr (NM_181714.4); short protein forms D676Y.
Identifiers: ClinVar variation 199195 (VCV000199195.20), dbSNP rs143582502, ClinGen allele CA248276.